The following is an entry in ClinVar:

ClinVar aggregate classification (germline): Uncertain significance. Review status: criteria provided, multiple submitters, no conflicts (2 of 4 stars). 5 submissions from 5 submitters: Uncertain significance (4). 1 of the submissions does not count toward it. Last evaluated 2025-09-24.

Conditions:
Methylmalonic aciduria due to complete methylmalonyl-CoA mutase deficiency.
Methylmalonic aciduria due to methylmalonyl-CoA mutase deficiency (MAMM). Also called: Methylmalonic aciduria, mut type. Identifiers: Orphanet 27, MedGen C1855114, MONDO:0009612, OMIM 251000.

Allele frequency attached by ClinVar (database versions not stated): gnomAD exomes below 0.00001 and 0.00002; TOPMed below 0.00001; gnomAD 0.00002 and 0.00003; ExAC 0.00003; 1000 Genomes Project 30x 0.00016; 1000 Genomes Project 0.00020.
gnomAD v4.1: 6 of 1,614,186 alleles (0.00037%); highest among the groups gnomAD compares: East Asian, 0.013%; no homozygotes.

Submissions (5):

Genesolutions, Medical Genetics Institutes, Ho Chi Minh City, Vietnam
Classification: Uncertain significance for Methylmalonic aciduria due to methylmalonyl-CoA mutase deficiency. Last evaluated: 2025-09-24. Review status: criteria provided, single submitter. Criteria: ACMG Guidelines, 2015. Collection method: clinical testing. Allele origin: germline. Affected: yes.

Ambry Genetics
Classification: Uncertain significance. Last evaluated: 2025-03-26. Review status: criteria provided, single submitter. Criteria: Ambry Variant Classification Scheme 2023. Collection method: clinical testing. Allele origin: germline.

Labcorp Genetics (formerly Invitae), Labcorp
Classification: Uncertain significance. Last evaluated: 2022-07-12. Review status: criteria provided, single submitter. Criteria: Invitae Variant Classification Sherloc (09022015). Collection method: clinical testing. Allele origin: germline.
Comment: This sequence change replaces lysine, which is basic and polar, with arginine, which is basic and polar, at codon 54 of the MUT protein (p.Lys54Arg). This variant is present in population databases (rs559152765, gnomAD 0.02%). This variant has not been reported in the literature in individuals affected with MUT-related conditions. ClinVar contains an entry for this variant (Variation ID: 1001769). Algorithms developed to predict the effect of missense changes on protein structure and function (SIFT, PolyPhen-2, Align-GVGD) all suggest that this variant is likely to be tolerated. In summary, the available evidence is currently insufficient to determine the role of this variant in disease. Therefore, it has been classified as a Variant of Uncertain Significance.

Fulgent Genetics
Classification: Uncertain significance for Methylmalonic aciduria due to methylmalonyl-CoA mutase deficiency. Last evaluated: 2021-07-07. Review status: criteria provided, single submitter. Criteria: ACMG Guidelines, 2015. Collection method: clinical testing. Allele origin: unknown.

Natera, Inc.
Classification: Uncertain significance for Methylmalonic aciduria due to complete methylmalonyl-CoA mutase deficiency. Last evaluated: 2020-10-13. Review status: no assertion criteria provided. Collection method: clinical testing. Allele origin: germline. Not counted in ClinVar's aggregate classification.

NM_000255.4(MMUT):c.161A>G (p.Lys54Arg)

Gene: MMUT (methylmalonyl-CoA mutase; minus strand). Cytogenetic location: 6p12.3.
Variant type: single nucleotide variant.
Coding change: c.161A>G on transcript NM_000255.4 (MANE Select); coding-DNA position 161, A replaced by G.
Protein change: p.Lys54Arg; replaces lysine 54 with arginine.
Molecular consequence: missense variant.
Genome position (GRCh38, 1-based): chr6:49,459,306, T>C on the plus strand (A>G on the coding strand, the complement: MMUT is on the minus strand). VCF-style: chr6-49459306-T-C. GRCh37 (hg19) VCF-style: chr6-49427019-T-C.
Other names: c.161A>G (NM_000255.3); short protein forms K54R.
Identifiers: ClinVar variation 1001769 (VCV001001769.6), dbSNP rs559152765, ClinGen allele CA3847176.
Genomic context (GRCh38, chr6:49,459,306, plus strand): 5'-GAATACAAGGGTTTTATAGAGATCCCTTCCGGGGTGTGCCATATTAGGTCTTCTGGGTTT[T>C]TGCCTTTCAGCTGCTTTTTAGCCAGGGCAGCCCATTCTGGGTGAAGGGGCTGTTGCTGGT-3'
Protein context (NP_000246.2, residues 44-64): AALAKKQLKG[Lys54Arg]NPEDLIWHTP